The following is an entry in ClinVar:

ClinVar aggregate classification (germline): Uncertain significance (1 of 4 stars; one submission).

Conditions:
Inborn genetic diseases. Identifiers: MedGen C0950123, MeSH D030342.

gnomAD v4.1: 1 of 1,614,230 alleles (0.000062%); highest among the groups gnomAD compares: African/African-American, 0.0013%; no homozygotes.

Submission:

Ambry Genetics
Classification: Uncertain significance for Inborn genetic diseases. Last evaluated: 2025-12-18. Review status: criteria provided, single submitter. Criteria: Ambry Variant Classification Scheme 2023. Collection method: clinical testing. Allele origin: germline.
Comment: The p.L1173M variant (also known as c.3517T>A), located in coding exon 13 of the ASXL1 gene, results from a T to A substitution at nucleotide position 3517. The leucine at codon 1173 is replaced by methionine, an amino acid with highly similar properties. This amino acid position is conserved. In addition, this alteration is predicted to be tolerated by in silico analysis. Based on the available evidence, the clinical significance of this variant remains unclear.

NM_015338.6(ASXL1):c.3517T>A (p.Leu1173Met)

Gene: ASXL1 (ASXL transcriptional regulator 1; plus strand). Cytogenetic location: 20q11.21.
Variant type: single nucleotide variant.
Coding change: c.3517T>A on transcript NM_015338.6 (MANE Select); coding-DNA position 3517, T replaced by A.
Protein change: p.Leu1173Met; replaces leucine 1173 with methionine.
Molecular consequence: missense variant.
Genome position (GRCh38, 1-based): chr20:32,436,229, T>A. VCF-style: chr20-32436229-T-A. GRCh37 (hg19) VCF-style: chr20-31024032-T-A.
Other names: c.3334T>A, p.Leu1112Met (NM_001363734.1); short protein forms L1112M, L1173M.
Identifiers: ClinVar variation 4843637 (VCV004843637.1).